The following is an entry in ClinVar:

NM_006231.4(POLE):c.1291_1311dup (p.Lys431_Val437dup)

Gene: POLE (DNA polymerase epsilon, catalytic subunit; minus strand). Cytogenetic location: 12q24.33.
Variant type: Duplication.
Coding change: c.1291_1311dup on transcript NM_006231.4 (MANE Select); coding-DNA positions 1291 to 1311, 21 bases duplicated (AAGCTAGGCTATGATCCCGTG).
Protein change: p.Lys431_Val437dup.
Molecular consequence: inframe insertion.
Genome position (GRCh38, 1-based): chr12:132,673,623-132,673,643, CACGGGATCATAGCCTAGCTT duplicated on the plus strand (AAGCTAGGCTATGATCCCGTG on the coding strand, the reverse complement: POLE is on the minus strand). VCF-style (leftmost placement, unchanged base first): chr12-132673622-C-CCACGGGATCATAGCCTAGCTT. GRCh37 (hg19) VCF-style: chr12-133250208-C-CCACGGGATCATAGCCTAGCTT.
Other names: c.1291_1311dup (NM_006231.2); c.1291_1311dupAAGCTAGGCTATGATCCCGTG (NM_006231.3).
Identifiers: ClinVar variation 639337 (VCV000639337.20), dbSNP rs1593073188, ClinGen allele CA482722784.

ClinVar aggregate classification (germline): Uncertain significance. Review status: criteria provided, multiple submitters, no conflicts (2 of 4 stars). 5 submissions from 5 submitters: Uncertain significance (5). Last evaluated 2025-09-27.

Conditions:
POLE-related disorder. Also called: POLE-related disorders; POLE-related condition.
Hereditary cancer-predisposing syndrome. Also called: Tumor predisposition; Hereditary neoplastic syndrome; Neoplastic Syndromes, Hereditary; Hereditary Cancer Syndrome. Identifiers: Orphanet 140162, MedGen C0027672, MeSH D009386, MONDO:0015356.

Submissions (5):

Labcorp Genetics (formerly Invitae), Labcorp
Classification: Uncertain significance. Last evaluated: 2025-09-27. Review status: criteria provided, single submitter. Criteria: Invitae Variant Classification Sherloc (09022015). Collection method: clinical testing. Allele origin: germline.
Comment: This variant, c.1291_1311dup, results in the insertion of 7 amino acid(s) of the POLE protein (p.Lys431_Val437dup), but otherwise preserves the integrity of the reading frame. This variant is not present in population databases (gnomAD no frequency). This variant has not been reported in the literature in individuals affected with POLE-related conditions. ClinVar contains an entry for this variant (Variation ID: 639337). Experimental studies and prediction algorithms are not available or were not evaluated, and the functional significance of this variant is currently unknown. In summary, the available evidence is currently insufficient to determine the role of this variant in disease. Therefore, it has been classified as a Variant of Uncertain Significance.

PreventionGenetics, part of Exact Sciences
Classification: Uncertain significance for POLE-related condition. Last evaluated: 2025-02-26. Review status: criteria provided, single submitter. Criteria: ACMG Guidelines, 2015. Collection method: clinical testing. Allele origin: germline.
Comment: The POLE c.1291_1311dup21 variant is predicted to result in an in-frame duplication (p.Lys431_Val437dup). To our knowledge, this variant has not been reported in the literature or in a large population database (gnomAD), indicating this variant is rare. This variant is interpreted as uncertain in ClinVar. At this time, the clinical significance of this variant is uncertain due to the absence of conclusive functional and genetic evidence.

Ambry Genetics
Classification: Uncertain significance for Hereditary cancer-predisposing syndrome. Last evaluated: 2024-12-09. Review status: criteria provided, single submitter. Criteria: Ambry Variant Classification Scheme 2023. Collection method: clinical testing. Allele origin: germline.
Comment: The c.1291_1311dup21 variant (also known as p.K431_V437dup), located in coding exon 13 of the POLE gene, results from an in-frame duplication of 21 nucleotides at nucleotide positions 1291 to 1311. This results in the duplication of 7 extra residues (KLGYDPV) between codons 431 and 437. This amino acid region is highly conserved in available vertebrate species. In addition, this alteration is predicted to be deleterious by in silico analysis (Choi Y et al. PLoS ONE. 2012; 7(10):e46688). Based on the available evidence, the clinical significance of this variant remains unclear.

Sema4
Classification: Uncertain significance for Hereditary cancer-predisposing syndrome. Last evaluated: 2021-07-28. Review status: criteria provided, single submitter. Criteria: Sema4 Curation Guidelines. Collection method: curation. Allele origin: germline.
Comment: The POLE c.1291_1311dup (p.K431_V437dup) variant has not been reported in the literature to our knowledge. It was not observed in the large and broad cohorts of the Genome Aggregation Database. The variant has been reported in ClinVar (Variation ID: 639337). The evidence is insufficient to meet ACMG/AMP criteria for classifying the variant as benign or pathogenic. Thus, the clinical significance of this variant is currently uncertain.

GeneDx
Classification: Uncertain significance. Last evaluated: 2021-05-03. Review status: criteria provided, single submitter. Criteria: GeneDx Variant Classification Process June 2021. Collection method: clinical testing. Allele origin: germline. Affected: yes.
Comment: Not observed in large population cohorts (Lek 2016); In-frame duplication of 7 amino acids in a non-repeat region; In silico analysis supports a deleterious effect on protein structure/function; Has not been previously published as pathogenic or benign to our knowledge; Located in the critical Exo V of the Exonuclease domain (Preston 2010)